The following is an entry in ClinVar:

NR_172944.1(GGT2):n.2119G>A

Gene: GGT2 (gamma-glutamyltransferase 2; minus strand). Cytogenetic location: 22q11.21.
Variant type: single nucleotide variant.
Molecular consequence: non-coding transcript variant (on NR_172944.1).
Genome position: GRCh38 VCF-style: chr22-21208865-C-T. GRCh37 (hg19) VCF-style: chr22-21563154-C-T.
Identifiers: ClinVar variation 2652936 (VCV002652936.23), dbSNP rs757424470, ClinGen allele CA10121283.
Genomic context (GRCh38, chr22:21,208,865, plus strand): 5'-CTGCGTGCCCCCAGCAGCTCCCACCACCATCCGGACCTGGCCGTCCTGGCCCACCATGAT[C>T]GTCAGGCACATGGACAAGAGCGGCTGCTTCCCTGCGGCCGATGGGAGAAGACAGGGATGC-3'

ClinVar aggregate classification (germline): Likely benign (1 of 4 stars; one submission).

Allele frequency attached by ClinVar (database versions not stated): ExAC 0.00266.

Submission:

CeGaT Center for Human Genetics Tuebingen
Classification: Likely benign. Last evaluated: 2023-03-01. Review status: criteria provided, single submitter. Criteria: CeGaT Center For Human Genetics Tuebingen Variant Classification Criteria Version 2. Collection method: clinical testing. Allele origin: germline. Affected: yes. Observed: 1 variant allele.
Comment: GGT2P: BP4